The following is an entry in ClinVar:

ClinVar aggregate classification (germline): Uncertain significance. Review status: criteria provided, multiple submitters, no conflicts (2 of 4 stars). 4 submissions from 4 submitters: Uncertain significance (4). Last evaluated 2025-04-11.

Conditions:
Inborn genetic diseases. Identifiers: MedGen C0950123, MeSH D030342.
Intellectual disability-facial dysmorphism syndrome due to SETD5 haploinsufficiency (MRD23). Also called: Intellectual developmental disorder, autosomal dominant 23. Identifiers: Orphanet 404440, MedGen C3810406, MONDO:0014336, OMIM 615761.

Allele frequency attached by ClinVar (database versions not stated): gnomAD exomes below 0.00001; ExAC 0.00001; gnomAD 0.00001.
gnomAD v4.1: 4 of 1,613,718 alleles (0.00025%); highest among the groups gnomAD compares: African/African-American, 0.0013%; no homozygotes.

Submissions (4):

Ambry Genetics
Classification: Uncertain significance for Inborn genetic diseases. Last evaluated: 2025-04-11. Review status: criteria provided, single submitter. Criteria: Ambry Variant Classification Scheme 2023. Collection method: clinical testing. Allele origin: germline.

Revvity Omics, Revvity
Classification: Uncertain significance for Intellectual disability-facial dysmorphism syndrome due to SETD5 haploinsufficiency. Last evaluated: 2024-12-18. Review status: criteria provided, single submitter. Criteria: ACMG Guidelines, 2015. Collection method: clinical testing. Allele origin: germline.

GeneDx
Classification: Uncertain significance. Last evaluated: 2019-05-10. Review status: criteria provided, single submitter. Criteria: GeneDx Variant Classification Process June 2021. Collection method: clinical testing. Allele origin: germline. Affected: yes.
Comment: Not observed in large population cohorts (Lek et al., 2016); In silico analysis, which includes protein predictors and evolutionary conservation, supports that this variant does not alter protein structure/function; Has not been previously published as pathogenic or benign to our knowledge

Breakthrough Genomics
Classification: Uncertain significance. Review status: criteria provided, single submitter. Criteria: ACMG Guidelines, 2015. Collection method: not provided. Allele origin: germline. Inheritance: Autosomal dominant inheritance. Affected: yes.

NM_001080517.3(SETD5):c.4255A>G (p.Ser1419Gly)

Gene: SETD5 (SET domain containing 5; plus strand). Cytogenetic location: 3p25.3.
Variant type: single nucleotide variant.
Coding change: c.4255A>G on transcript NM_001080517.3 (MANE Select); coding-DNA position 4255, A replaced by G.
Protein change: p.Ser1419Gly; replaces serine 1419 with glycine.
Molecular consequence: missense variant.
Genome position (GRCh38, 1-based): chr3:9,476,017, A>G. VCF-style: chr3-9476017-A-G. GRCh37 (hg19) VCF-style: chr3-9517701-A-G.
Other names: c.3961A>G, p.Ser1321Gly (NM_001292043.2, NM_001349451.2); short protein forms S1321G, S1419G.
Identifiers: ClinVar variation 1305691 (VCV001305691.5), dbSNP rs774053994, ClinGen allele CA2239900.
Genomic context (GRCh38, chr3:9,476,017, plus strand): 5'-GTCTACCAGGCCTCCAGGGTATCTGCGGTTTCCAATTCACAGCACTACCCACACCGTGGG[A>G]GTGGGGGTGTGCACCAGTACCGACTCCAGCCACTGCAAGGGTCAGGAGTCAAGACTCAGA-3'
Protein context (NP_001073986.1, residues 1409-1429): SNSQHYPHRG[Ser1419Gly]GGVHQYRLQP